The following is an entry in ClinVar:

ClinVar aggregate classification (germline): Uncertain significance (1 of 4 stars; one submission).

Conditions:
Cardiovascular phenotype. Identifiers: MedGen CN230736.

gnomAD v4.1: 1 of 1,611,042 alleles (0.000062%); highest among the groups gnomAD compares: East Asian, 0.0022%; no homozygotes.

Submission:

Ambry Genetics
Classification: Uncertain significance for Cardiovascular phenotype. Last evaluated: 2024-06-04. Review status: criteria provided, single submitter. Criteria: Ambry Variant Classification Scheme 2023. Collection method: clinical testing. Allele origin: germline.
Comment: The p.C331G variant (also known as c.991T>G), located in coding exon 8 of the TBX5 gene, results from a T to G substitution at nucleotide position 991. The cysteine at codon 331 is replaced by glycine, an amino acid with highly dissimilar properties. This amino acid position is conserved. In addition, this alteration is predicted to be deleterious by in silico analysis. Based on the available evidence, the clinical significance of this variant remains unclear.

NM_181486.4(TBX5):c.991T>G (p.Cys331Gly)

Gene: TBX5 (T-box transcription factor 5; minus strand). Cytogenetic location: 12q24.21.
Variant type: single nucleotide variant.
Coding change: c.991T>G on transcript NM_181486.4 (MANE Select); coding-DNA position 991, T replaced by G.
Protein change: p.Cys331Gly; replaces cysteine 331 with glycine.
Molecular consequence: missense variant.
Genome position (GRCh38, 1-based): chr12:114,356,098, A>C on the plus strand (T>G on the coding strand, the complement: TBX5 is on the minus strand). VCF-style: chr12-114356098-A-C. GRCh37 (hg19) VCF-style: chr12-114793903-A-C.
Other names: c.991T>G, p.Cys331Gly (NM_000192.3); c.841T>G, p.Cys281Gly (NM_080717.4); short protein forms C281G, C331G.
Identifiers: ClinVar variation 3324883 (VCV003324883.1).